The following is an entry in ClinVar:

ClinVar aggregate classification (germline): Uncertain significance (1 of 4 stars; one submission).

Allele frequency attached by ClinVar (database versions not stated): TOPMed below 0.00001; gnomAD 0.00001.
gnomAD v4.1: 5 of 1,613,918 alleles (0.00031%); highest among the groups gnomAD compares: Non-Finnish European, 0.00042%; no homozygotes.

Submission:

Labcorp Genetics (formerly Invitae), Labcorp
Classification: Uncertain significance. Last evaluated: 2023-02-08. Review status: criteria provided, single submitter. Criteria: Invitae Variant Classification Sherloc (09022015). Collection method: clinical testing. Allele origin: germline.
Comment: In summary, the available evidence is currently insufficient to determine the role of this variant in disease. Therefore, it has been classified as a Variant of Uncertain Significance. Advanced modeling of protein sequence and biophysical properties (such as structural, functional, and spatial information, amino acid conservation, physicochemical variation, residue mobility, and thermodynamic stability) performed at Invitae indicates that this missense variant is expected to disrupt COL9A1 protein function. This variant has not been reported in the literature in individuals affected with COL9A1-related conditions. This variant is present in population databases (no rsID available, gnomAD 0.0009%). This sequence change replaces glycine, which is neutral and non-polar, with valine, which is neutral and non-polar, at codon 742 of the COL9A1 protein (p.Gly742Val).

NM_001851.6(COL9A1):c.2225G>T (p.Gly742Val)

Gene: COL9A1 (collagen type IX alpha 1 chain; minus strand). Cytogenetic location: 6q13.
Variant type: single nucleotide variant.
Coding change: c.2225G>T on transcript NM_001851.6 (MANE Select); coding-DNA position 2225, G replaced by T.
Protein change: p.Gly742Val; replaces glycine 742 with valine.
Molecular consequence: missense variant. On other transcripts: non-coding transcript variant (1), intron variant (1).
Genome position (GRCh38, 1-based): chr6:70,234,828, C>A on the plus strand (G>T on the coding strand, the complement: COL9A1 is on the minus strand). VCF-style: chr6-70234828-C-A. GRCh37 (hg19) VCF-style: chr6-70944531-C-A.
Other names: c.1526G>T, p.Gly509Val (NM_001377289.1); c.1496G>T, p.Gly499Val (NM_078485.4); c.1384-235G>T (NM_001377290.1); short protein forms G742V, G499V, G509V.
Identifiers: ClinVar variation 2973325 (VCV002973325.1), dbSNP rs1206093741, ClinGen allele CA364673088.